The following is an entry in ClinVar:

ClinVar aggregate classification (germline): Likely benign (1 of 4 stars; one submission).

Conditions:
Colorectal cancer, hereditary nonpolyposis, type 7. Identifiers: Orphanet 144, MedGen C1858380, MONDO:0013725, OMIM 614385.

Allele frequency attached by ClinVar (database versions not stated): 1000 Genomes Project 30x 0.00328; gnomAD exomes 0.00093; 1000 Genomes Project 0.00300; gnomAD 0.00484 and 0.00443; TOPMed 0.00487.
gnomAD v4.1: 734 of 225,314 alleles (0.33%); highest among the groups gnomAD compares: African/African-American, 1.5%; 4 homozygotes.

Submission:

Illumina Laboratory Services, Illumina
Classification: Likely benign for Colorectal cancer, hereditary nonpolyposis, type 7. Last evaluated: 2018-01-13. Review status: criteria provided, single submitter. Criteria: ICSL Variant Classification Criteria 13 December 2019. Collection method: clinical testing. Allele origin: germline.
Comment: This variant was observed in the ICSL laboratory as part of a predisposition screen in an ostensibly healthy population. It had not been previously curated by ICSL or reported in the Human Gene Mutation Database (HGMD: prior to June 1st, 2018), and was therefore a candidate for classification through an automated scoring system. Utilizing variant allele frequency, disease prevalence and penetrance estimates, and inheritance mode, an automated score was calculated to assess if this variant is too frequent to cause the disease. Based on the score and internal cut-off values, a variant classified as likely benign is not then subjected to further curation. The score for this variant resulted in a classification of likely benign for this disease.

NM_001040108.2(MLH3):c.*1237A>G

Gene: MLH3 (mutL homolog 3; minus strand). Cytogenetic location: 14q24.3.
Variant type: single nucleotide variant.
Coding change: c.*1237A>G on transcript NM_001040108.2 (MANE Select); 1237 bases downstream of the stop codon, A replaced by G.
Molecular consequence: 3 prime UTR variant.
Genome position (GRCh38, 1-based): chr14:75,015,845, T>C on the plus strand (A>G on the coding strand, the complement: MLH3 is on the minus strand). VCF-style: chr14-75015845-T-C. GRCh37 (hg19) VCF-style: chr14-75482548-T-C.
Other names: c.*1237A>G (NM_014381.3).
Identifiers: ClinVar variation 314362 (VCV000314362.5), dbSNP rs114347490, ClinGen allele CA10646126.
Genomic context (GRCh38, chr14:75,015,845, plus strand): 5'-TACTTTCATTGCTCCTGTAAGATTCACTTCAAGGCTGCTGGCAAAGGAACTTTTCTTCCA[T>C]GAGCACGAATTGGTTTCCTGTATTAAAAAATGAGGAAAATCATTCAATTGATATAAAAGC-3'